The following is an entry in ClinVar:

NM_020975.6(RET):c.2608-24G>A

Gene: RET (ret proto-oncogene; plus strand). Cytogenetic location: 10q11.21.
Variant type: single nucleotide variant.
Coding change: c.2608-24G>A on transcript NM_020975.6 (MANE Select); 24 bases into the intron before coding-DNA position 2608, G replaced by A.
Molecular consequence: intron variant.
Genome position (GRCh38, 1-based): chr10:43,120,057, G>A. VCF-style: chr10-43120057-G-A. GRCh37 (hg19) VCF-style: chr10-43615505-G-A.
Other names: c.2608-24G>A (NM_020630.7, NM_001406743.1, NM_001406744.1 and 2 more transcripts); c.2473-24G>A (NM_001406765.1, NM_001406763.1); c.2212-24G>A (NM_001406772.1, NM_001406769.1); c.2170-24G>A (NM_001406773.1, NM_001406771.1); c.1711-24G>A (NM_001406782.1, NM_001406780.1, NM_001406779.1 and 1 more transcripts); c.1576-24G>A (NM_001406787.1); c.1591-24G>A (NM_001406785.1); c.2479-24G>A (NM_001406764.1, NM_001406762.1, NM_001406761.1); and 10 more.
Identifiers: ClinVar variation 24956 (VCV000024956.27), dbSNP rs2472737, ClinGen allele CA008933.
Genomic context (GRCh38, chr10:43,120,057, plus strand): 5'-CCCCTCTGCTGGTCACACCAGGCTGAGCCAGTGACCGCTGCTGCCTGGCCATGGCCTGAC[G>A]ACTCGTGCTATTTTTCCTCACAGCTCGTTCATCGGGACTTGGCAGCCAGAAACATCCTGG-3'

ClinVar aggregate classification (germline): Benign. Review status: criteria provided, multiple submitters, no conflicts (2 of 4 stars). 9 submissions from 8 submitters: Benign (9). Last evaluated 2026-01-29.

Conditions:
Hereditary cancer-predisposing syndrome. Also called: Neoplastic Syndromes, Hereditary; Tumor predisposition; Hereditary Cancer Syndrome; Hereditary neoplastic syndrome. Identifiers: Orphanet 140162, MedGen C0027672, MeSH D009386, MONDO:0015356.
Multiple endocrine neoplasia, type 2 (MEN2). Identifiers: Orphanet 653, MedGen C4048306, MONDO:0019003. Disease mechanism: gain of function.
Multiple endocrine neoplasia type 2B. Also called: MULTIPLE ENDOCRINE NEOPLASIA, TYPE IIB; Multiple endocrine neoplasia, type 3; MEN 2B; WAGENMANN-FROBOESE SYNDROME; MULTIPLE ENDOCRINE NEOPLASIA, TYPE III; MUCOSAL NEUROMA SYNDROME. Identifiers: Orphanet 247709, Orphanet 653, MedGen C0025269, MeSH D018814, MONDO:0008082, OMIM 162300.
Pheochromocytoma. Also called: MAX-Related Hereditary Paraganglioma-Pheochromocytoma Syndrome. Identifiers: Orphanet 29072, MedGen C0031511, MONDO:0008233, OMIM 171300, HP:0002666.

Allele frequency attached by ClinVar (database versions not stated): 1000 Genomes Project 0.17312; 1000 Genomes Project 30x 0.17536; TOPMed 0.19328; ESP Exome Variant Server 0.19768; gnomAD 0.20232 and 0.20380; gnomAD exomes 0.20412 and 0.21929; ExAC 0.21267.
gnomAD v4.1: 350,193 of 1,611,680 alleles (22%); highest among the groups gnomAD compares: Non-Finnish European, 23%; 39,224 homozygotes.

Submissions (9):

Labcorp Genetics (formerly Invitae), Labcorp
Classification: Benign for Multiple endocrine neoplasia, type 2. Last evaluated: 2026-01-29. Review status: criteria provided, single submitter. Criteria: Invitae Variant Classification Sherloc (09022015). Collection method: clinical testing. Allele origin: germline.

GeneKor MSA
Classification: Benign for Hereditary cancer-predisposing syndrome. Last evaluated: 2025-07-10. Review status: criteria provided, single submitter. Criteria: ACMG Guidelines, 2015. Collection method: clinical testing. Allele origin: germline.

KCCC/NGS Laboratory, Kuwait Cancer Control Center
Classification: Benign for Pheochromocytoma. Last evaluated: 2025-02-01. Review status: criteria provided, single submitter. Criteria: ACMG Guidelines, 2015. Collection method: clinical testing. Allele origin: germline. Affected: no.

KCCC/NGS Laboratory, Kuwait Cancer Control Center
Classification: Benign for Multiple endocrine neoplasia type 2B. Last evaluated: 2023-07-07. Review status: criteria provided, single submitter. Criteria: ACMG Guidelines, 2015. Collection method: clinical testing. Allele origin: germline. Affected: yes.

ARUP Laboratories, Molecular Genetics and Genomics, ARUP Laboratories
Classification: Benign. Last evaluated: 2018-07-02. Review status: criteria provided, single submitter. Criteria: ARUP Molecular Germline Variant Investigation Process. Collection method: clinical testing. Allele origin: germline.

GeneDx
Classification: Benign. Last evaluated: 2015-03-03. Review status: criteria provided, single submitter. Criteria: GeneDx Variant Classification Process June 2021. Collection method: clinical testing. Allele origin: germline. Affected: yes.
Comment: This variant is associated with the following publications: (PMID: 16118333, 21222160)

Eurofins Ntd Llc (ga)
Classification: Benign. Last evaluated: 2013-01-16. Review status: criteria provided, single submitter. Criteria: EGL Classification Definitions 2015. Collection method: clinical testing. Allele origin: germline. Observed: 18 variant alleles, 17 heterozygotes, 1 homozygote.

Breakthrough Genomics
Classification: Benign. Review status: criteria provided, single submitter. Criteria: ACMG Guidelines, 2015. Collection method: not provided. Allele origin: germline. Inheritance: Autosomal dominant inheritance. Affected: yes.

PreventionGenetics, part of Exact Sciences
Classification: Benign. Review status: criteria provided, single submitter. Criteria: ACMG Guidelines, 2015. Collection method: clinical testing. Allele origin: germline.